The following is an entry in ClinVar:

ClinVar aggregate classification (germline): Uncertain significance. Review status: criteria provided, multiple submitters, no conflicts (2 of 4 stars). 2 submissions from 2 submitters: Uncertain significance (2). Last evaluated 2026-02-04.

Conditions:
Hereditary cancer-predisposing syndrome. Also called: Tumor predisposition; Hereditary Cancer Syndrome; Hereditary neoplastic syndrome; Neoplastic Syndromes, Hereditary. Identifiers: Orphanet 140162, MedGen C0027672, MeSH D009386, MONDO:0015356.
Gastrointestinal stromal tumor. Also called: Gastrointestinal stroma tumor; Gastrointestinal stromal tumor, somatic. Identifiers: Orphanet 44890, MedGen C0238198, MeSH D046152, MONDO:0011719, OMIM 606764, HP:0100723.

Allele frequency attached by ClinVar (database versions not stated): gnomAD exomes below 0.00001.
gnomAD v4.1: 8 of 1,614,004 alleles (0.0005%); highest among the groups gnomAD compares: South Asian, 0.0088%; 1 homozygote.

Submissions (2):

Labcorp Genetics (formerly Invitae), Labcorp
Classification: Uncertain significance for Gastrointestinal stromal tumor. Last evaluated: 2026-02-04. Review status: criteria provided, single submitter. Criteria: Invitae Variant Classification Sherloc (09022015). Collection method: clinical testing. Allele origin: germline.
Comment: This sequence change replaces aspartic acid, which is acidic and polar, with glycine, which is neutral and non-polar, at codon 419 of the KIT protein (p.Asp419Gly). The frequency data for this variant in the population databases is considered unreliable, as metrics indicate poor data quality at this position in the gnomAD database. This variant has not been reported in the literature in individuals affected with KIT-related conditions. ClinVar contains an entry for this variant (Variation ID: 1368131). An algorithm developed to predict the effect of missense changes on protein structure and function (PolyPhen-2) suggests that this variant is likely to be tolerated. In summary, the available evidence is currently insufficient to determine the role of this variant in disease. Therefore, it has been classified as a Variant of Uncertain Significance.

Ambry Genetics
Classification: Uncertain significance for Hereditary cancer-predisposing syndrome. Last evaluated: 2025-12-13. Review status: criteria provided, single submitter. Criteria: Ambry Variant Classification Scheme 2023. Collection method: clinical testing. Allele origin: germline.
Comment: The p.D419G variant (also known as c.1256A>G), located in coding exon 8 of the KIT gene, results from an A to G substitution at nucleotide position 1256. The aspartic acid at codon 419 is replaced by glycine, an amino acid with similar properties. This amino acid position is not well conserved in available vertebrate species. In addition, this alteration is predicted to be tolerated by in silico analysis. Since supporting evidence is limited at this time, the clinical significance of this alteration remains unclear.

NM_000222.3(KIT):c.1256A>G (p.Asp419Gly)

Gene: KIT (KIT proto-oncogene, receptor tyrosine kinase; plus strand). Cytogenetic location: 4q12.
Variant type: single nucleotide variant.
Coding change: c.1256A>G on transcript NM_000222.3 (MANE Select); coding-DNA position 1256, A replaced by G.
Protein change: p.Asp419Gly; replaces aspartic acid 419 with glycine.
Molecular consequence: missense variant.
Genome position (GRCh38, 1-based): chr4:54,723,608, A>G. VCF-style: chr4-54723608-A-G. GRCh37 (hg19) VCF-style: chr4-55589774-A-G.
Other names: c.1256A>G, p.Asp419Gly (NM_001385285.1, NM_001385286.1, NM_001093772.2); c.1259A>G, p.Asp420Gly (NM_001385288.1, NM_001385290.1, NM_001385292.1 and 1 more transcripts); short protein forms D420G, D419G.
Identifiers: ClinVar variation 1368131 (VCV001368131.6), dbSNP rs1368874379, ClinGen allele CA356905408.